The following is an entry in ClinVar:

ClinVar aggregate classification (germline): Likely benign (1 of 4 stars; one submission).

gnomAD v4.1: 7 of 599,014 alleles (0.0012%); highest among the groups gnomAD compares: South Asian, 0.04%; no homozygotes.

Submission:

CeGaT Center for Human Genetics Tuebingen
Classification: Likely benign. Last evaluated: 2025-10-01. Review status: criteria provided, single submitter. Criteria: CeGaT Center For Human Genetics Tuebingen Variant Classification Criteria Version 2. Collection method: clinical testing. Allele origin: germline. Affected: yes. Observed: 1 variant allele.
Comment: BPTF: BP4, BP7

NM_182641.4(BPTF):c.291C>T (p.Gly97=)

Gene: BPTF (bromodomain PHD finger transcription factor; plus strand). Cytogenetic location: 17q24.2.
Variant type: single nucleotide variant.
Coding change: c.291C>T on transcript NM_182641.4 (MANE Select); coding-DNA position 291, C replaced by T.
Protein change: p.Gly97=; no amino-acid change (glycine 97 retained).
Molecular consequence: synonymous variant.
Genome position (GRCh38, 1-based): chr17:67,826,015, C>T. VCF-style: chr17-67826015-C-T. GRCh37 (hg19) VCF-style: chr17-65822131-C-T.
Other names: c.291C>T, p.Gly97= (NM_001439139.1, NM_001439140.1, NM_001439141.1 and 4 more transcripts).
Identifiers: ClinVar variation 4534784 (VCV004534784.6).